The following is an entry in ClinVar:

ClinVar aggregate classification (germline): Uncertain significance (1 of 4 stars; one submission).

Submission:

Labcorp Genetics (formerly Invitae), Labcorp
Classification: Uncertain significance. Last evaluated: 2024-12-02. Review status: criteria provided, single submitter. Criteria: Invitae Variant Classification Sherloc (09022015). Collection method: clinical testing. Allele origin: germline.
Comment: This sequence change replaces threonine, which is neutral and polar, with serine, which is neutral and polar, at codon 2116 of the POLE protein (p.Thr2116Ser). This variant is not present in population databases (gnomAD no frequency). This variant has not been reported in the literature in individuals affected with POLE-related conditions. ClinVar contains an entry for this variant (Variation ID: 2741102). Invitae Evidence Modeling of protein sequence and biophysical properties (such as structural, functional, and spatial information, amino acid conservation, physicochemical variation, residue mobility, and thermodynamic stability) indicates that this missense variant is not expected to disrupt POLE protein function with a negative predictive value of 80%. In summary, the available evidence is currently insufficient to determine the role of this variant in disease. Therefore, it has been classified as a Variant of Uncertain Significance.

NM_006231.4(POLE):c.6347C>G (p.Thr2116Ser)

Gene: POLE (DNA polymerase epsilon, catalytic subunit; minus strand). Cytogenetic location: 12q24.33.
Variant type: single nucleotide variant.
Coding change: c.6347C>G on transcript NM_006231.4 (MANE Select); coding-DNA position 6347, C replaced by G.
Protein change: p.Thr2116Ser; replaces threonine 2116 with serine.
Molecular consequence: missense variant.
Genome position (GRCh38, 1-based): chr12:132,626,301, G>C on the plus strand (C>G on the coding strand, the complement: POLE is on the minus strand). VCF-style: chr12-132626301-G-C. GRCh37 (hg19) VCF-style: chr12-133202887-G-C.
Other names: short protein forms T2116S.
Identifiers: ClinVar variation 2741102 (VCV002741102.3), dbSNP rs2041838815, ClinGen allele CA387367874.